The following is an entry in ClinVar:

NM_130384.3(ATRIP):c.1342G>T (p.Asp448Tyr)

Genes: ATRIP (ATR interacting protein; plus strand), ATRIP-TREX1 (ATRIP-TREX1 readthrough; plus strand). Cytogenetic location: 3p21.31.
Variant type: single nucleotide variant.
Coding change: c.1342G>T on transcript NM_130384.3 (MANE Select); coding-DNA position 1342, G replaced by T.
Protein change: p.Asp448Tyr; replaces aspartic acid 448 with tyrosine.
Molecular consequence: missense variant. On other transcripts: non-coding transcript variant (1).
Genome position (GRCh38, 1-based): chr3:48,460,396, G>T. VCF-style: chr3-48460396-G-T. GRCh37 (hg19) VCF-style: chr3-48501795-G-T.
Other names: c.961G>T, p.Asp321Tyr (NM_001271022.2); c.1063G>T, p.Asp355Tyr (NM_001271023.2); c.1342G>T, p.Asp448Tyr (NM_032166.4); short protein forms D448Y, D355Y, D321Y.
Identifiers: ClinVar variation 3809054 (VCV003809054.1).

ClinVar aggregate classification (germline): Uncertain significance (1 of 4 stars; one submission).

gnomAD v4.1: 1 of 1,613,556 alleles (0.000062%); highest among the groups gnomAD compares: Middle Eastern, 0.017%; no homozygotes.

Submission:

Ambry Genetics
Classification: Uncertain significance. Last evaluated: 2024-12-15. Review status: criteria provided, single submitter. Criteria: Ambry Variant Classification Scheme 2023. Collection method: clinical testing. Allele origin: germline.
Comment: The p.D448Y variant (also known as c.1342G>T), located in coding exon 8 of the ATRIP gene, results from a G to T substitution at nucleotide position 1342. The aspartic acid at codon 448 is replaced by tyrosine, an amino acid with highly dissimilar properties. This amino acid position is conserved. In addition, this alteration is predicted to be tolerated by in silico analysis. Based on the available evidence, the clinical significance of this variant remains unclear.